The following is an entry in ClinVar:

NM_153460.4(IL17RC):c.1240C>T (p.Pro414Ser)

Gene: IL17RC (interleukin 17 receptor C; plus strand). Cytogenetic location: 3p25.3.
Variant type: single nucleotide variant.
Coding change: c.1240C>T on transcript NM_153460.4 (MANE Select); coding-DNA position 1240, C replaced by T.
Protein change: p.Pro414Ser; replaces proline 414 with serine.
Molecular consequence: missense variant. On other transcripts: non-coding transcript variant (1).
Genome position (GRCh38, 1-based): chr3:9,930,111, C>T. VCF-style: chr3-9930111-C-T. GRCh37 (hg19) VCF-style: chr3-9971795-C-T.
Other names: c.1240C>T, p.Pro414Ser (NM_001203263.2); c.1189C>T, p.Pro397Ser (NM_001203264.2); c.1144C>T, p.Pro382Ser (NM_001203265.2); c.1201C>T, p.Pro401Ser (NM_001367278.1); c.1120C>T, p.Pro374Ser (NM_001367279.1); c.1195C>T, p.Pro399Ser (NM_001367280.1, NM_032732.6); c.1453C>T, p.Pro485Ser (NM_153461.4); c.1453C>T (NM_153461.3); short protein forms P374S, P382S, P485S, P399S, P401S, P397S, P414S.
Identifiers: ClinVar variation 1495067 (VCV001495067.9), dbSNP rs150602081, ClinGen allele CA2247201.

ClinVar aggregate classification (germline): Uncertain significance. Review status: criteria provided, multiple submitters, no conflicts (2 of 4 stars). 3 submissions from 3 submitters: Uncertain significance (3). Last evaluated 2025-10-21.

Conditions:
Candidiasis, familial, 9 (CANDF9). Identifiers: Orphanet 1334, MedGen C4225324, MONDO:0014642, OMIM 616445.

Allele frequency attached by ClinVar (database versions not stated): ExAC 0.00002; gnomAD exomes 0.00002 and 0.00006; gnomAD 0.00003; TOPMed 0.00005; ESP Exome Variant Server 0.00015.
gnomAD v4.1: 91 of 1,614,000 alleles (0.0056%); highest among the groups gnomAD compares: Non-Finnish European, 0.0074%; no homozygotes.

Submissions (3):

Labcorp Genetics (formerly Invitae), Labcorp
Classification: Uncertain significance for Candidiasis, familial, 9. Last evaluated: 2025-10-21. Review status: criteria provided, single submitter. Criteria: Invitae Variant Classification Sherloc (09022015). Collection method: clinical testing. Allele origin: germline.
Comment: This sequence change replaces proline, which is neutral and non-polar, with serine, which is neutral and polar, at codon 485 of the IL17RC protein (p.Pro485Ser). This variant is present in population databases (rs150602081, gnomAD 0.004%). This variant has not been reported in the literature in individuals affected with IL17RC-related conditions. ClinVar contains an entry for this variant (Variation ID: 1495067). An algorithm developed to predict the effect of missense changes on protein structure and function outputs the following: PolyPhen-2: "Benign". The serine amino acid residue is found in multiple mammalian species, which suggests that this missense change does not adversely affect protein function. In summary, the available evidence is currently insufficient to determine the role of this variant in disease. Therefore, it has been classified as a Variant of Uncertain Significance.

Blueprint Genetics
Classification: Uncertain significance. Last evaluated: 2024-11-18. Review status: criteria provided, single submitter. Criteria: ACMG Guidelines, 2015. Collection method: clinical testing. Allele origin: germline.

Ambry Genetics
Classification: Uncertain significance. Last evaluated: 2024-06-25. Review status: criteria provided, single submitter. Criteria: Ambry Variant Classification Scheme 2023. Collection method: clinical testing. Allele origin: germline.